The following is an entry in ClinVar:

NM_003640.5(ELP1):c.1084C>T (p.Leu362Phe)

Gene: ELP1 (elongator acetyltransferase complex subunit 1; minus strand). Cytogenetic location: 9q31.3.
Variant type: single nucleotide variant.
Coding change: c.1084C>T on transcript NM_003640.5 (MANE Select); coding-DNA position 1084, C replaced by T.
Protein change: p.Leu362Phe; replaces leucine 362 with phenylalanine.
Molecular consequence: missense variant.
Genome position (GRCh38, 1-based): chr9:108,912,369, G>A on the plus strand (C>T on the coding strand, the complement: ELP1 is on the minus strand). VCF-style: chr9-108912369-G-A. GRCh37 (hg19) VCF-style: chr9-111674649-G-A.
Other names: c.1084C>T (LRG_251t1); c.742C>T, p.Leu248Phe (NM_001318360.2); c.37C>T, p.Leu13Phe (NM_001330749.2); short protein forms L362F, L13F, L248F.
Identifiers: ClinVar variation 577146 (VCV000577146.12), dbSNP rs774132326, ClinGen allele CA5175130.
Genomic context (GRCh38, chr9:108,912,369, plus strand): 5'-CCACGCTCCGGTCAGTCGTCCAGTGCCAATCATAGGCGAGGTAATGCCAGCCCTGACAGA[G>A]AACATGCAGCCGGTATGGGGTCACAGGGTCCCACATCAGAGACACAATCTTGCTCTTCCC-3'
Protein context (NP_003631.2, residues 352-372): DPVTPYRLHV[Leu362Phe]CQGWHYLAYD

ClinVar aggregate classification (germline): Uncertain significance. Review status: criteria provided, multiple submitters, no conflicts (2 of 4 stars). 3 submissions from 3 submitters: Uncertain significance (2). 1 of the submissions does not count toward it. Last evaluated 2024-12-11.

Conditions:
Familial dysautonomia. Also called: HSAN III; FD. Identifiers: Orphanet 1764, MedGen C0013364, MONDO:0009131, OMIM 223900. Disease mechanism: loss of function.

Allele frequency attached by ClinVar (database versions not stated): ExAC 0.00002; gnomAD exomes 0.00002; TOPMed below 0.00001; gnomAD 0.00001.
gnomAD v4.1: 28 of 1,614,076 alleles (0.0017%); highest among the groups gnomAD compares: Non-Finnish European, 0.0022%; no homozygotes.

Submissions (3):

Labcorp Genetics (formerly Invitae), Labcorp
Classification: Uncertain significance. Last evaluated: 2024-12-11. Review status: criteria provided, single submitter. Criteria: Invitae Variant Classification Sherloc (09022015). Collection method: clinical testing. Allele origin: germline.
Comment: This sequence change replaces leucine, which is neutral and non-polar, with phenylalanine, which is neutral and non-polar, at codon 362 of the ELP1 protein (p.Leu362Phe). This variant is present in population databases (rs774132326, gnomAD 0.004%). This variant has not been reported in the literature in individuals affected with ELP1-related conditions. ClinVar contains an entry for this variant (Variation ID: 577146). Invitae Evidence Modeling of protein sequence and biophysical properties (such as structural, functional, and spatial information, amino acid conservation, physicochemical variation, residue mobility, and thermodynamic stability) indicates that this missense variant is not expected to disrupt ELP1 protein function with a negative predictive value of 80%. In summary, the available evidence is currently insufficient to determine the role of this variant in disease. Therefore, it has been classified as a Variant of Uncertain Significance.

Illumina Laboratory Services, Illumina
Classification: Uncertain significance for Familial dysautonomia. Last evaluated: 2018-01-12. Review status: criteria provided, single submitter. Criteria: ICSL Variant Classification Criteria 13 December 2019. Collection method: clinical testing. Allele origin: germline.

Natera, Inc.
Classification: Uncertain significance for Familial dysautonomia. Last evaluated: 2020-09-08. Review status: no assertion criteria provided. Collection method: clinical testing. Allele origin: germline. Not counted in ClinVar's aggregate classification.